The following is an entry in ClinVar:

NM_022575.4(VPS16):c.322G>A (p.Val108Ile)

Gene: VPS16 (VPS16 core subunit of CORVET and HOPS complexes; plus strand). Cytogenetic location: 20p13.
Variant type: single nucleotide variant.
Coding change: c.322G>A on transcript NM_022575.4 (MANE Select); coding-DNA position 322, G replaced by A.
Protein change: p.Val108Ile; replaces valine 108 with isoleucine.
Molecular consequence: missense variant.
Genome position (GRCh38, 1-based): chr20:2,860,320, G>A. VCF-style: chr20-2860320-G-A. GRCh37 (hg19) VCF-style: chr20-2840966-G-A.
Other names: c.322G>A, p.Val108Ile (NM_080413.3); short protein forms V108I.
Identifiers: ClinVar variation 3369982 (VCV003369982.1).

ClinVar aggregate classification (germline): Uncertain significance (1 of 4 stars; one submission).

Submission:

GeneDx
Classification: Uncertain significance. Last evaluated: 2023-12-28. Review status: criteria provided, single submitter. Criteria: GeneDx Variant Classification Process June 2021. Collection method: clinical testing. Allele origin: germline. Affected: yes.
Comment: Not observed at significant frequency in large population cohorts (gnomAD); In silico analysis supports that this missense variant does not alter protein structure/function; Has not been previously published as pathogenic or benign to our knowledge